The following is an entry in ClinVar:

NM_006164.5(NFE2L2):c.1174G>A (p.Gly392Ser)

Gene: NFE2L2 (NFE2 like bZIP transcription factor 2; minus strand). Cytogenetic location: 2q31.2.
Variant type: single nucleotide variant.
Coding change: c.1174G>A on transcript NM_006164.5 (MANE Select); coding-DNA position 1174, G replaced by A.
Protein change: p.Gly392Ser; replaces glycine 392 with serine.
Molecular consequence: missense variant.
Genome position (GRCh38, 1-based): chr2:177,231,429, C>T on the plus strand (G>A on the coding strand, the complement: NFE2L2 is on the minus strand). VCF-style: chr2-177231429-C-T. GRCh37 (hg19) VCF-style: chr2-178096157-C-T.
Other names: c.1126G>A, p.Gly376Ser (NM_001145412.3, NM_001313900.1, NM_001313901.1); c.1105G>A, p.Gly369Ser (NM_001145413.3); c.1084G>A, p.Gly362Ser (NM_001313902.2); c.955G>A, p.Gly319Ser (NM_001313903.2); c.874G>A, p.Gly292Ser (NM_001313904.1); short protein forms G392S, G319S, G376S, G362S, G369S, G292S.
Identifiers: ClinVar variation 1940564 (VCV001940564.5), dbSNP rs778015424, ClinGen allele CA1979729.

ClinVar aggregate classification (germline): Uncertain significance (1 of 4 stars; one submission).

Allele frequency attached by ClinVar (database versions not stated): TOPMed below 0.00001; ExAC 0.00001; gnomAD exomes 0.00001.

Submission:

Labcorp Genetics (formerly Invitae), Labcorp
Classification: Uncertain significance. Last evaluated: 2022-09-10. Review status: criteria provided, single submitter. Criteria: Invitae Variant Classification Sherloc (09022015). Collection method: clinical testing. Allele origin: germline.
Comment: In summary, the available evidence is currently insufficient to determine the role of this variant in disease. Therefore, it has been classified as a Variant of Uncertain Significance. Advanced modeling of protein sequence and biophysical properties (such as structural, functional, and spatial information, amino acid conservation, physicochemical variation, residue mobility, and thermodynamic stability) performed at Invitae indicates that this missense variant is not expected to disrupt NFE2L2 protein function. This variant has not been reported in the literature in individuals affected with NFE2L2-related conditions. This variant is present in population databases (rs778015424, gnomAD 0.002%). This sequence change replaces glycine, which is neutral and non-polar, with serine, which is neutral and polar, at codon 392 of the NFE2L2 protein (p.Gly392Ser).